The following is an entry in ClinVar:

ClinVar aggregate classification (germline): Benign/Likely benign. Review status: criteria provided, multiple submitters, no conflicts (2 of 4 stars). 3 submissions from 3 submitters: Benign (1); Likely benign (2). Last evaluated 2026-10-01.

Allele frequency attached by ClinVar (database versions not stated): 1000 Genomes Project 0.00120; 1000 Genomes Project 30x 0.00125; TOPMed 0.00635; gnomAD 0.00666; ExAC 0.01201.
gnomAD v4.1: 10,796 of 1,563,130 alleles (0.69%); highest among the groups gnomAD compares: Non-Finnish European, 0.81%; 42 homozygotes.

Submissions (5):

CeGaT Center for Human Genetics Tuebingen
Classification: Likely benign. Last evaluated: 2026-10-01. Review status: criteria provided, single submitter. Criteria: CeGaT Center For Human Genetics Tuebingen Variant Classification Criteria Version 2. Collection method: clinical testing. Allele origin: germline. Affected: yes. Observed: 31 variant alleles.
Comment: SPTLC1: BS2

ARUP Laboratories, Molecular Genetics and Genomics, ARUP Laboratories
Classification: Benign. Last evaluated: 2025-07-09. Review status: criteria provided, single submitter. Criteria: ARUP Molecular Germline Variant Investigation Process 2024. Collection method: clinical testing. Allele origin: germline.

Breakthrough Genomics
Classification: Likely benign. Review status: criteria provided, single submitter. Criteria: ACMG Guidelines, 2015. Collection method: not provided. Allele origin: germline. Inheritance: Autosomal dominant inheritance. Affected: yes.

Dr. Peter K. Rogan Lab, Western University
No classification provided (evidence only). Condition: Malignant tumor of urinary bladder. Review status: no classification provided. Collection method: in vitro. Allele origin: not applicable. Functional consequence: retained intron. Not counted in ClinVar's aggregate classification.

Dr. Peter K. Rogan Lab, Western University
No classification provided (evidence only). Condition: Malignant tumor of urinary bladder. Review status: no classification provided. Collection method: in vitro. Allele origin: not applicable. Functional consequence: retained intron. Not counted in ClinVar's aggregate classification.

NM_006415.4(SPTLC1):c.*124A>G

Gene: SPTLC1 (serine palmitoyltransferase long chain base subunit 1; minus strand). Cytogenetic location: 9q22.31.
Variant type: single nucleotide variant.
Coding change: c.*124A>G on transcript NM_006415.4 (MANE Select); 124 bases downstream of the stop codon, A replaced by G.
Molecular consequence: 3 prime UTR variant. On other transcripts: missense variant (1).
Genome position (GRCh38, 1-based): chr9:92,032,341, T>C on the plus strand (A>G on the coding strand, the complement: SPTLC1 is on the minus strand). VCF-style: chr9-92032341-T-C. GRCh37 (hg19) VCF-style: chr9-94794623-T-C.
Other names: c.1514A>G, p.Lys505Arg (NM_001281303.2); c.*124A>G (NM_001368272.1, NM_001368273.1); short protein forms K505R.
Identifiers: ClinVar variation 367542 (VCV000367542.44), dbSNP rs189582528, ClinGen allele CA5121166.